The following is an entry in ClinVar:

ClinVar aggregate classification (germline): Uncertain significance (1 of 4 stars; one submission).

Conditions:
Hereditary cancer-predisposing syndrome. Also called: Neoplastic Syndromes, Hereditary; Hereditary neoplastic syndrome; Tumor predisposition; Hereditary Cancer Syndrome. Identifiers: Orphanet 140162, MedGen C0027672, MeSH D009386, MONDO:0015356.

Submission:

Ambry Genetics
Classification: Uncertain significance for Hereditary cancer-predisposing syndrome. Last evaluated: 2026-01-22. Review status: criteria provided, single submitter. Criteria: Ambry Variant Classification Scheme 2023. Collection method: clinical testing. Allele origin: germline.
Comment: The p.M1458V variant (also known as c.4372A>G), located in coding exon 22 of the DICER1 gene, results from an A to G substitution at nucleotide position 4372. The methionine at codon 1458 is replaced by valine, an amino acid with highly similar properties. This amino acid position is conserved. In addition, the in silico prediction for this alteration is inconclusive. Based on the available evidence, the clinical significance of this variant remains unclear.

NM_177438.3(DICER1):c.4372A>G (p.Met1458Val)

Gene: DICER1 (dicer 1, ribonuclease III; minus strand). Cytogenetic location: 14q32.13.
Variant type: single nucleotide variant.
Coding change: c.4372A>G on transcript NM_177438.3 (MANE Select); coding-DNA position 4372, A replaced by G.
Protein change: p.Met1458Val; replaces methionine 1458 with valine.
Molecular consequence: missense variant. On other transcripts: non-coding transcript variant (6).
Genome position (GRCh38, 1-based): chr14:95,096,548, T>C on the plus strand (A>G on the coding strand, the complement: DICER1 is on the minus strand). VCF-style: chr14-95096548-T-C. GRCh37 (hg19) VCF-style: chr14-95562885-T-C.
Other names: c.4372A>G, p.Met1458Val (NM_001395693.1, NM_001395694.1, NM_001395695.1 and 12 more transcripts); c.3967A>G, p.Met1323Val (NM_001395696.1, NM_001395687.1, NM_001395688.1 and 2 more transcripts); c.2689A>G, p.Met897Val (NM_001395697.1); c.4090A>G, p.Met1364Val (NM_001395686.1); c.3805A>G, p.Met1269Val (NM_001395691.1); short protein forms M1323V, M1269V, M1364V, M1458V, M897V.
Identifiers: ClinVar variation 4824636 (VCV004824636.1).
Genomic context (GRCh38, chr14:95,096,548, plus strand): 5'-CAGAATCAGTGGTTGAAAAAGGAGAAAGAGAGATTTTCTTTACAAAAGCTCCTGACCCCA[T>C]TAACATATTATCTATAAATCTGATATGTTCCTGATCATACTCCAGGAAATCATCTTCATA-3'
Protein context (NP_803187.1, residues 1448-1468): EHIRFIDNML[Met1458Val]GSGAFVKKIS